The following is an entry in ClinVar:

NM_001519.4(BRF1):c.544+2270G>A

Genes: BRF1 (BRF1 general transcription factor IIIB subunit; minus strand), BTBD6 (BTB domain containing 6; plus strand). Cytogenetic location: 14q32.33.
Variant type: single nucleotide variant.
Coding change: c.544+2270G>A on transcript NM_001519.4 (MANE Select); 2270 bases into the intron after coding-DNA position 544, G replaced by A.
Molecular consequence: intron variant. On other transcripts: synonymous variant (2).
Genome position (GRCh38, 1-based): chr14:105,250,237, C>T on the plus strand (G>A on the coding strand, the complement: BRF1 is on the minus strand). VCF-style: chr14-105250237-C-T. GRCh37 (hg19) VCF-style: chr14-105716574-C-T.
Other names: c.1182C>T, p.Phe394= (NM_001387567.1); c.1023C>T, p.Phe341= (NM_033271.3); c.199+2270G>A (NM_001242787.2, NM_001242786.2); c.463+2270G>A (NM_001242788.2).
Identifiers: ClinVar variation 2644912 (VCV002644912.24), dbSNP rs61740085, ClinGen allele CA7387913.

ClinVar aggregate classification (germline): Benign (1 of 4 stars; one submission).

Allele frequency attached by ClinVar (database versions not stated): 1000 Genomes Project 0.00439; 1000 Genomes Project 30x 0.00500; gnomAD 0.00921; TOPMed 0.00992; ESP Exome Variant Server 0.01031; ExAC 0.01063; gnomAD exomes 0.01204.
gnomAD v4.1: 18,968 of 1,613,016 alleles (1.2%); highest among the groups gnomAD compares: Middle Eastern, 2.2%; 140 homozygotes.

Submission:

CeGaT Center for Human Genetics Tuebingen
Classification: Benign. Last evaluated: 2026-09-01. Review status: criteria provided, single submitter. Criteria: CeGaT Center For Human Genetics Tuebingen Variant Classification Criteria Version 2. Collection method: clinical testing. Allele origin: germline. Affected: yes. Observed: 30 variant alleles.
Comment: BRF1: BS1, BS2